The following is an entry in ClinVar:

NM_000135.4(FANCA):c.1891A>G (p.Lys631Glu)

Gene: FANCA (FA complementation group A; minus strand). Cytogenetic location: 16q24.3.
Variant type: single nucleotide variant.
Coding change: c.1891A>G on transcript NM_000135.4 (MANE Select); coding-DNA position 1891, A replaced by G.
Protein change: p.Lys631Glu; replaces lysine 631 with glutamic acid.
Molecular consequence: missense variant.
Genome position (GRCh38, 1-based): chr16:89,775,751, T>C on the plus strand (A>G on the coding strand, the complement: FANCA is on the minus strand). VCF-style: chr16-89775751-T-C. GRCh37 (hg19) VCF-style: chr16-89842159-T-C.
Other names: c.1891A>G, p.Lys631Glu (NM_001286167.3); short protein forms K631E.
Identifiers: ClinVar variation 1719613 (VCV001719613.5), dbSNP rs2544213725, ClinGen allele CA397451802.
Genomic context (GRCh38, chr16:89,775,751, plus strand): 5'-GAAAATGGAAAAGCACAAGTCCCAGAGTGGACAAGCGGCCCAGGAACTTACCTTCTGGCT[T>C]CTCTTCAGCAGCAGAGCAGGCCTGGCAGTAGGTGGAGTACAGAGATGGGGGGATTTTATC-3'
Protein context (NP_000126.2, residues 621-641): YCQACSAAEE[Lys631Glu]PEDAALGVRA

ClinVar aggregate classification (germline): Uncertain significance (1 of 4 stars; one submission).

Conditions:
Fanconi anemia (FA). Also called: Fanconi's anemia. Identifiers: Orphanet 84, MedGen C0015625, MeSH D005199, MONDO:0019391.

Submission:

Labcorp Genetics (formerly Invitae), Labcorp
Classification: Uncertain significance for Fanconi anemia. Last evaluated: 2022-09-16. Review status: criteria provided, single submitter. Criteria: Invitae Variant Classification Sherloc (09022015). Collection method: clinical testing. Allele origin: germline.
Comment: In summary, the available evidence is currently insufficient to determine the role of this variant in disease. Therefore, it has been classified as a Variant of Uncertain Significance. Advanced modeling of protein sequence and biophysical properties (such as structural, functional, and spatial information, amino acid conservation, physicochemical variation, residue mobility, and thermodynamic stability) performed at Invitae indicates that this missense variant is not expected to disrupt FANCA protein function. This variant has not been reported in the literature in individuals affected with FANCA-related conditions. This variant is not present in population databases (gnomAD no frequency). This sequence change replaces lysine, which is basic and polar, with glutamic acid, which is acidic and polar, at codon 631 of the FANCA protein (p.Lys631Glu).